The following is an entry in ClinVar:

NM_001142864.4(PIEZO1):c.3239C>G (p.Ala1080Gly)

Gene: PIEZO1 (piezo type mechanosensitive ion channel component 1 (Er blood group); minus strand). Cytogenetic location: 16q24.3.
Variant type: single nucleotide variant.
Coding change: c.3239C>G on transcript NM_001142864.4 (MANE Select); coding-DNA position 3239, C replaced by G.
Protein change: p.Ala1080Gly; replaces alanine 1080 with glycine.
Molecular consequence: missense variant.
Genome position (GRCh38, 1-based): chr16:88,727,619, G>C on the plus strand (C>G on the coding strand, the complement: PIEZO1 is on the minus strand). VCF-style: chr16-88727619-G-C. GRCh37 (hg19) VCF-style: chr16-88794027-G-C.
Other names: short protein forms A1080G.
Identifiers: ClinVar variation 3689322 (VCV003689322.2).
Genomic context (GRCh38, chr16:88,727,619, plus strand): 5'-ATGAGGTTGGTGGAGTTGGGGGCCCGGAAGAAATCAGGCAGGTACAGCCACTTGATGAGT[G>C]CGGAGTTCATGGGGACGGCCCGGCTCCAGCGCCAGGGATAATCTGGGGGAAGGGGTGTCA-3'
Protein context (NP_001136336.2, residues 1070-1090): RWSRAVPMNS[Ala1080Gly]LIKWLYLPDF

ClinVar aggregate classification (germline): Uncertain significance (1 of 4 stars; one submission).

gnomAD v4.1: 4 of 1,528,192 alleles (0.00026%); highest among the groups gnomAD compares: Non-Finnish European, 0.00035%; no homozygotes.

Submission:

Labcorp Genetics (formerly Invitae), Labcorp
Classification: Uncertain significance. Last evaluated: 2024-08-21. Review status: criteria provided, single submitter. Criteria: Invitae Variant Classification Sherloc (09022015). Collection method: clinical testing. Allele origin: germline.
Comment: This sequence change replaces alanine, which is neutral and non-polar, with glycine, which is neutral and non-polar, at codon 1080 of the PIEZO1 protein (p.Ala1080Gly). This variant is not present in population databases (gnomAD no frequency). This variant has not been reported in the literature in individuals affected with PIEZO1-related conditions. Invitae Evidence Modeling of protein sequence and biophysical properties (such as structural, functional, and spatial information, amino acid conservation, physicochemical variation, residue mobility, and thermodynamic stability) indicates that this missense variant is not expected to disrupt PIEZO1 protein function with a negative predictive value of 80%. In summary, the available evidence is currently insufficient to determine the role of this variant in disease. Therefore, it has been classified as a Variant of Uncertain Significance.